The following is an entry in ClinVar:

ClinVar aggregate classification (germline): Uncertain significance (1 of 4 stars; one submission).

gnomAD v4.1: 3 of 1,614,072 alleles (0.00019%); highest among the groups gnomAD compares: Non-Finnish European, 0.00025%; no homozygotes.

Submission:

GeneDx
Classification: Uncertain significance. Last evaluated: 2026-01-30. Review status: criteria provided, single submitter. Criteria: GeneDx Variant Classification Process June 2021. Collection method: clinical testing. Allele origin: germline.
Comment: Not observed at significant frequency in large population cohorts (gnomAD); In silico analysis supports that this missense variant has a deleterious effect on protein structure/function; Has not been previously published as pathogenic or benign to our knowledge

NM_181552.4(CUX1):c.2797G>A (p.Glu933Lys)

Gene: CUX1 (cut like homeobox 1; plus strand). Cytogenetic location: 7q22.1.
Variant type: single nucleotide variant.
Coding change: c.2797G>A on transcript NM_181552.4 (MANE Select); coding-DNA position 2797, G replaced by A.
Protein change: p.Glu933Lys; replaces glutamic acid 933 with lysine.
Molecular consequence: missense variant. On other transcripts: intron variant (5).
Genome position (GRCh38, 1-based): chr7:102,202,094, G>A. VCF-style: chr7-102202094-G-A. GRCh37 (hg19) VCF-style: chr7-101845374-G-A.
Other names: c.2830G>A, p.Glu944Lys (NM_001202543.2); c.1255+6491G>A (NM_001913.5); c.1249+6491G>A (NM_181500.4); c.1117+6491G>A (NM_001202545.3); c.1207+6491G>A (NM_001202544.3); c.1138+6491G>A (NM_001202546.3); short protein forms E933K, E944K.
Identifiers: ClinVar variation 4975955 (VCV004975955.1).